The following is an entry in ClinVar:

NM_001267550.2(TTN):c.107446T>C (p.Phe35816Leu)

Genes: TTN-AS1 (TTN antisense RNA 1; plus strand), TTN (titin; minus strand). Cytogenetic location: 2q31.2.
Variant type: single nucleotide variant.
Coding change: c.107446T>C on transcript NM_001267550.2 (MANE Select); coding-DNA position 107446, T replaced by C.
Protein change: p.Phe35816Leu; replaces phenylalanine 35816 with leucine.
Molecular consequence: missense variant.
Genome position (GRCh38, 1-based): chr2:178,527,680, A>G on the plus strand (T>C on the coding strand, the complement: TTN is on the minus strand). VCF-style: chr2-178527680-A-G. GRCh37 (hg19) VCF-style: chr2-179392407-A-G.
Other names: c.102523T>C, p.Phe34175Leu (NM_001256850.1); c.80251T>C, p.Phe26751Leu (NM_003319.4); c.99742T>C, p.Phe33248Leu (NM_133378.4); c.80626T>C, p.Phe26876Leu (NM_133432.3); c.80827T>C, p.Phe26943Leu (NM_133437.4); short protein forms F26751L, F26876L, F26943L, F33248L, F34175L, F35816L.
Identifiers: ClinVar variation 999666 (VCV000999666.9), dbSNP rs1687028450, ClinGen allele CA349400916.
Genomic context (GRCh38, chr2:178,527,680, plus strand): 5'-TGAAACTGCTGAAGGAGGCCTCCTGCTTGGAGGCAGACATTTGGACTGACTGAGACGAGA[A>G]GCTTCCTTGCAAGCTTGTGTCACCACTTGTTCTCAATACTACCTCTCTGGAAGGTTCTTC-3'
Protein context (NP_001254479.2, residues 35806-35826): TSGDTSLQGS[Phe35816Leu]SSQSVQMSAS

ClinVar aggregate classification (germline): Uncertain significance (1 of 4 stars; one submission).

Conditions:
Dilated cardiomyopathy 1G (CMD1G). Identifiers: Orphanet 154, MedGen C1858763, MONDO:0011400, OMIM 604145.
Autosomal recessive limb-girdle muscular dystrophy type 2J (LGMDR10). Also called: Limb-girdle muscular dystrophy, type 2J; MUSCULAR DYSTROPHY, LIMB-GIRDLE, AUTOSOMAL RECESSIVE 10. Identifiers: Orphanet 140922, MedGen C1837342, MONDO:0012127, OMIM 608807.

Allele frequency attached by ClinVar (database versions not stated): TOPMed below 0.00001; gnomAD 0.00001; gnomAD exomes 0.00001.
gnomAD v4.1: 16 of 1,613,350 alleles (0.00099%); highest among the groups gnomAD compares: Non-Finnish European, 0.0014%; no homozygotes.

Submission:

Labcorp Genetics (formerly Invitae), Labcorp
Classification: Uncertain significance for Dilated cardiomyopathy 1G; Autosomal recessive limb-girdle muscular dystrophy type 2J. Last evaluated: 2024-02-05. Review status: criteria provided, single submitter. Criteria: Invitae Variant Classification Sherloc (09022015). Collection method: clinical testing. Allele origin: germline.
Comment: This sequence change replaces phenylalanine, which is neutral and non-polar, with leucine, which is neutral and non-polar, at codon 35816 of the TTN protein (p.Phe35816Leu). This variant is not present in population databases (gnomAD no frequency). This variant has not been reported in the literature in individuals affected with TTN-related conditions. ClinVar contains an entry for this variant (Variation ID: 999666). Experimental studies and prediction algorithms are not available or were not evaluated, and the functional significance of this variant is currently unknown. This variant is located in the M band of TTN (PMID: 25589632). Non-truncating variants in this region may be relevant for neuromuscular disorders, but have not been definitively shown to cause cardiomyopathy (PMID: 23975875). In summary, the available evidence is currently insufficient to determine the role of this variant in disease. Therefore, it has been classified as a Variant of Uncertain Significance.

Literature cited by the submitters: PubMed 25589632; PubMed 23975875.